The following is an entry in ClinVar:

NM_033028.5(BBS4):c.1249-5A>G

Gene: BBS4 (Bardet-Biedl syndrome 4; plus strand). Cytogenetic location: 15q24.1.
Variant type: single nucleotide variant.
Coding change: c.1249-5A>G on transcript NM_033028.5 (MANE Select); 5 bases into the intron before coding-DNA position 1249, A replaced by G.
Molecular consequence: intron variant.
Genome position (GRCh38, 1-based): chr15:72,736,757, A>G. VCF-style: chr15-72736757-A-G. GRCh37 (hg19) VCF-style: chr15-73029098-A-G.
Other names: c.1180-5A>G (NM_001320665.2); c.733-5A>G (NM_001252678.2).
Identifiers: ClinVar variation 5001456 (VCV005001456.1).

ClinVar aggregate classification (germline): Likely benign (1 of 4 stars; one submission).

Conditions:
BBS4-related disorder. Also called: BBS4-related condition.

gnomAD v4.1: 1 of 1,614,176 alleles (0.000062%); highest among the groups gnomAD compares: South Asian, 0.0011%; no homozygotes.

Submission:

PreventionGenetics, part of Exact Sciences
Classification: Likely benign for BBS4-related condition. Last evaluated: 2025-04-03. Review status: criteria provided, single submitter. Criteria: ACMG Guidelines, 2015. Collection method: clinical testing. Allele origin: germline.
Comment: This variant is classified as likely benign based on ACMG/AMP sequence variant interpretation guidelines (Richards et al. 2015 PMID: 25741868, with internal and published modifications).